The following is an entry in ClinVar:

NM_001364905.1(LRBA):c.4410A>T (p.Lys1470Asn)

Gene: LRBA (LPS responsive beige-like anchor protein; minus strand). Cytogenetic location: 4q31.3.
Variant type: single nucleotide variant.
Coding change: c.4410A>T on transcript NM_001364905.1 (MANE Select); coding-DNA position 4410, A replaced by T.
Protein change: p.Lys1470Asn; replaces lysine 1470 with asparagine.
Molecular consequence: missense variant.
Genome position (GRCh38, 1-based): chr4:150,844,709, T>A on the plus strand (A>T on the coding strand, the complement: LRBA is on the minus strand). VCF-style: chr4-150844709-T-A. GRCh37 (hg19) VCF-style: chr4-151765861-T-A.
Other names: c.4410A>T, p.Lys1470Asn (NM_001199282.3, NM_001367550.1, NM_006726.5); short protein forms K1470N.
Identifiers: ClinVar variation 2188513 (VCV002188513.1), dbSNP rs780136819, ClinGen allele CA3102799.

ClinVar aggregate classification (germline): Uncertain significance (1 of 4 stars; one submission).

Conditions:
Combined immunodeficiency due to LRBA deficiency. Also called: Common variable immunodeficiency 8, with autoimmunity. Identifiers: Orphanet 445018, MedGen C3553512, MONDO:0013863, OMIM 614700.

Allele frequency attached by ClinVar (database versions not stated): gnomAD exomes below 0.00001; TOPMed below 0.00001; ExAC 0.00001.
gnomAD v4.1: 5 of 1,613,310 alleles (0.00031%); highest among the groups gnomAD compares: East Asian, 0.0045%; no homozygotes.

Submission:

Labcorp Genetics (formerly Invitae), Labcorp
Classification: Uncertain significance for Combined immunodeficiency due to LRBA deficiency. Last evaluated: 2021-12-19. Review status: criteria provided, single submitter. Criteria: Invitae Variant Classification Sherloc (09022015). Collection method: clinical testing. Allele origin: germline.
Comment: This sequence change replaces lysine, which is basic and polar, with asparagine, which is neutral and polar, at codon 1470 of the LRBA protein (p.Lys1470Asn). This variant is present in population databases (rs780136819, gnomAD 0.006%). This variant has not been reported in the literature in individuals affected with LRBA-related conditions. Algorithms developed to predict the effect of missense changes on protein structure and function (SIFT, PolyPhen-2, Align-GVGD) all suggest that this variant is likely to be tolerated. In summary, the available evidence is currently insufficient to determine the role of this variant in disease. Therefore, it has been classified as a Variant of Uncertain Significance.